The following is an entry in ClinVar:

NM_000138.5(FBN1):c.3170G>A (p.Ser1057Asn)

Gene: FBN1 (fibrillin 1; minus strand). Cytogenetic location: 15q21.1.
Variant type: single nucleotide variant.
Coding change: c.3170G>A on transcript NM_000138.5 (MANE Select); coding-DNA position 3170, G replaced by A.
Protein change: p.Ser1057Asn; replaces serine 1057 with asparagine.
Molecular consequence: missense variant.
Genome position (GRCh38, 1-based): chr15:48,488,406, C>T on the plus strand (G>A on the coding strand, the complement: FBN1 is on the minus strand). VCF-style: chr15-48488406-C-T. GRCh37 (hg19) VCF-style: chr15-48780603-C-T.
Other names: c.3170G>A, p.Ser1057Asn (NM_001406716.1); short protein forms S1057N.
Identifiers: ClinVar variation 3386821 (VCV003386821.2).

ClinVar aggregate classification (germline): Uncertain significance. Review status: criteria provided, multiple submitters, no conflicts (2 of 4 stars). 2 submissions from 2 submitters: Uncertain significance (2). Last evaluated 2025-08-08.

Conditions:
Familial thoracic aortic aneurysm and aortic dissection (TAAD). Also called: Thoracic aortic aneurysms and dissections. Identifiers: Orphanet 91387, MedGen C4707243, MONDO:0019625.
Marfan syndrome (MFS). Also called: MARFAN SYNDROME, TYPE I; Marfan syndrome type 1; Marfan's syndrome; FBN1-Related Marfan Syndrome; Marfan syndrome, classic. Identifiers: Orphanet 284963, Orphanet 558, MedGen C0024796, MONDO:0007947, OMIM 154700.

Submissions (2):

Color Diagnostics, LLC DBA Color Health
Classification: Uncertain significance for Familial thoracic aortic aneurysm and aortic dissection. Last evaluated: 2025-08-08. Review status: criteria provided, single submitter. Criteria: ACMG Guidelines, 2015. Collection method: clinical testing. Allele origin: germline.
Comment: This missense variant replaces serine with asparagine at codon 1057 of the FBN1 protein. Computational prediction suggests that this variant may not impact protein structure and function. To our knowledge, functional studies have not been reported for this variant. This variant has not been reported in individuals affected with FBN1-related disorders in the literature. This variant has not been identified in the general population by the Genome Aggregation Database (gnomAD). The available evidence is insufficient to determine the role of this variant in disease conclusively. Therefore, this variant is classified as a Variant of Uncertain Significance.

All of Us Research Program, National Institutes of Health
Classification: Uncertain significance for Marfan syndrome. Last evaluated: 2024-03-05. Review status: criteria provided, single submitter. Criteria: ACMG Guidelines, 2015. Collection method: clinical testing. Allele origin: germline. Inheritance: Autosomal dominant inheritance. Observed: 1 variant allele, 1 heterozygote.
Comment: This study involves interpretation of variants in research participants for the purpose of population health screening. Participant phenotype was not available at the time of variant classification. Additional details can be found in publication PMID: 35346344, PMCID: PMC8962531